The following is an entry in ClinVar:

NM_000337.6(SGCD):c.77G>A (p.Gly26Glu)

Gene: SGCD (sarcoglycan delta; plus strand). Cytogenetic location: 5q33.3.
Variant type: single nucleotide variant.
Coding change: c.77G>A on transcript NM_000337.6 (MANE Select); coding-DNA position 77, G replaced by A.
Protein change: p.Gly26Glu; replaces glycine 26 with glutamic acid.
Molecular consequence: missense variant.
Genome position (GRCh38, 1-based): chr5:156,344,562, G>A. VCF-style: chr5-156344562-G-A. GRCh37 (hg19) VCF-style: chr5-155771572-G-A.
Other names: c.77G>A (NM_000337.5); c.74G>A, p.Gly25Glu (NM_001128209.2); c.77G>A, p.Gly26Glu (NM_172244.3); short protein forms G25E, G26E.
Identifiers: ClinVar variation 1677912 (VCV001677912.2), dbSNP rs370189224, ClinGen allele CA3530480.
Genomic context (GRCh38, chr5:156,344,562, plus strand): 5'-AGTACACTCACCACCGGAGCACCATGCCTGGCTCTGTGGGGCCACAGGTATACAAGGTGG[G>A]GATTTATGGCTGGCGGAAACGATGCCTGTATTTCTTTGTCCTGCTCCTCATGATTTTAAT-3'
Protein context (NP_000328.2, residues 16-36): GSVGPQVYKV[Gly26Glu]IYGWRKRCLY

ClinVar aggregate classification (germline): Uncertain significance. Review status: criteria provided, multiple submitters, no conflicts (2 of 4 stars). 2 submissions from 2 submitters: Uncertain significance (2). Last evaluated 2025-10-01.

Conditions:
Inborn genetic diseases. Identifiers: MedGen C0950123, MeSH D030342.

Allele frequency attached by ClinVar (database versions not stated): gnomAD exomes below 0.00001; TOPMed below 0.00001; ESP Exome Variant Server 0.00008; gnomAD 0.00001; ExAC 0.00001.
gnomAD v4.1: 1 of 1,612,232 alleles (0.000062%); highest among the groups gnomAD compares: Non-Finnish European, 0.000085%; no homozygotes.

Submissions (2):

Ambry Genetics
Classification: Uncertain significance for Inborn genetic diseases. Last evaluated: 2025-10-01. Review status: criteria provided, single submitter. Criteria: Ambry Variant Classification Scheme 2023. Collection method: clinical testing. Allele origin: germline.
Comment: The p.G26E variant (also known as c.77G>A), located in coding exon 2 of the SGCD gene, results from a G to A substitution at nucleotide position 77. The glycine at codon 26 is replaced by glutamic acid, an amino acid with similar properties. This amino acid position is conserved. In addition, this alteration is predicted to be deleterious by in silico analysis. Based on the available evidence, the clinical significance of this variant remains unclear.

AiLife Diagnostics
Classification: Uncertain significance. Last evaluated: 2022-02-09. Review status: criteria provided, single submitter. Criteria: ACMG Guidelines, 2015. Collection method: clinical testing. Allele origin: germline. Affected: yes. Observed: 1 variant allele.